The following is an entry in ClinVar:

ClinVar aggregate classification (germline): Uncertain significance. Review status: criteria provided, multiple submitters, no conflicts (2 of 4 stars). 3 submissions from 3 submitters: Uncertain significance (3). Last evaluated 2024-08-30.

Conditions:
Inborn genetic diseases. Identifiers: MedGen C0950123, MeSH D030342.
Hereditary spastic paraplegia 11. Also called: Spastic Paraplegia 11; Nakamura Osame syndrome; Autosomal recessive hereditary spastic paraplegia, mental impairment, and thin corpus callosum; SPASTIC PARAPLEGIA, AUTOSOMAL RECESSIVE, COMPLICATED, WITH THIN CORPUS CALLOSUM; SPASTIC PARAPLEGIA, AUTOSOMAL RECESSIVE, WITH MENTAL IMPAIRMENT AND THIN CORPUS CALLOSUM; Spastic paraplegia, mental retardation and thin corpus callosum. Identifiers: Orphanet 2822, MedGen C1858479, MONDO:0011445, OMIM 604360.

Allele frequency attached by ClinVar (database versions not stated): gnomAD exomes below 0.00001; TOPMed below 0.00001; ExAC 0.00001; gnomAD 0.00001.
gnomAD v4.1: 8 of 1,614,062 alleles (0.0005%); highest among the groups gnomAD compares: Non-Finnish European, 0.00068%; no homozygotes.

Submissions (3):

GeneDx
Classification: Uncertain significance. Last evaluated: 2024-08-30. Review status: criteria provided, single submitter. Criteria: GeneDx Variant Classification Process June 2021. Collection method: clinical testing. Allele origin: germline. Affected: yes.
Comment: Not observed at significant frequency in large population cohorts (gnomAD); In silico analysis indicates that this missense variant does not alter protein structure/function; Has not been previously published as pathogenic or benign to our knowledge

Ambry Genetics
Classification: Uncertain significance for Inborn genetic diseases. Last evaluated: 2024-07-26. Review status: criteria provided, single submitter. Criteria: Ambry Variant Classification Scheme 2023. Collection method: clinical testing. Allele origin: germline.

Labcorp Genetics (formerly Invitae), Labcorp
Classification: Uncertain significance for Hereditary spastic paraplegia 11. Last evaluated: 2021-08-14. Review status: criteria provided, single submitter. Criteria: Invitae Variant Classification Sherloc (09022015). Collection method: clinical testing. Allele origin: germline.
Comment: This sequence change replaces leucine with proline at codon 327 of the SPG11 protein (p.Leu327Pro). The leucine residue is moderately conserved and there is a moderate physicochemical difference between leucine and proline. This variant is present in population databases (rs201444186, ExAC 0.001%). This variant has not been reported in the literature in individuals affected with SPG11-related conditions. Algorithms developed to predict the effect of missense changes on protein structure and function are either unavailable or do not agree on the potential impact of this missense change (SIFT: "Deleterious"; PolyPhen-2: "Benign"; Align-GVGD: "Class C0"). In summary, the available evidence is currently insufficient to determine the role of this variant in disease. Therefore, it has been classified as a Variant of Uncertain Significance.

NM_025137.4(SPG11):c.980T>C (p.Leu327Pro)

Gene: SPG11 (SPG11 vesicle trafficking associated, spatacsin; minus strand). Cytogenetic location: 15q21.1.
Variant type: single nucleotide variant.
Coding change: c.980T>C on transcript NM_025137.4 (MANE Select); coding-DNA position 980, T replaced by C.
Protein change: p.Leu327Pro; replaces leucine 327 with proline.
Molecular consequence: missense variant.
Genome position (GRCh38, 1-based): chr15:44,652,156, A>G on the plus strand (T>C on the coding strand, the complement: SPG11 is on the minus strand). VCF-style: chr15-44652156-A-G. GRCh37 (hg19) VCF-style: chr15-44944354-A-G.
Other names: c.980T>C, p.Leu327Pro (NM_001160227.2); short protein forms L327P.
Identifiers: ClinVar variation 1349443 (VCV001349443.9), dbSNP rs201444186, ClinGen allele CA7535661.
Genomic context (GRCh38, chr15:44,652,156, plus strand): 5'-ACAATAAACTACATGAAAAGGAAGTTTCTGTACCTATCAATTTGGAAGGAAAACTTGGCC[A>G]GTTTCATGTTGTAGGCAGAGTTAACAGGATCATCTTCATCTACGCCCTTAGGTCCTTGAA-3'
Protein context (NP_079413.3, residues 317-337): DPVNSAYNMK[Leu327Pro]AKFSFQIDRS